The following is an entry in ClinVar:

ClinVar aggregate classification (germline): Pathogenic (1 of 4 stars; one submission).

Conditions:
Hereditary cancer-predisposing syndrome. Also called: Hereditary neoplastic syndrome; Neoplastic Syndromes, Hereditary; Tumor predisposition; Hereditary Cancer Syndrome. Identifiers: Orphanet 140162, MedGen C0027672, MeSH D009386, MONDO:0015356.

Submission:

Labcorp Genetics (formerly Invitae), Labcorp
Classification: Pathogenic for Hereditary cancer-predisposing syndrome. Last evaluated: 2019-11-27. Review status: criteria provided, single submitter. Criteria: Invitae Variant Classification Sherloc (09022015). Collection method: clinical testing. Allele origin: germline.
Comment: This variant is a gross deletion of the genomic region encompassing exon 1 of the RAD50 gene, which includes the initiator codon. The 5' end of this event is unknown as it extends beyond the assayed region for this gene and therefore may encompass additional genes. The 3' boundary is likely confined to intron 1 of the RAD50 gene. This is expected to result in an absent or disrupted protein product. This variant has not been reported in the literature in individuals with RAD50-related conditions. Loss-of-function variants in RAD50 are known to be pathogenic (PMID: 16385572, 19409520). For these reasons, this variant has been classified as Pathogenic.

NC_000005.10:g.(?_132557325)_(132557463_?)del

Gene: RAD50 (RAD50 double strand break repair protein; plus strand). Cytogenetic location: 5q31.1.
Variant type: Deletion.
Identifiers: ClinVar variation 832909 (VCV000832909.1).